The following is an entry in ClinVar:

NM_004655.4(AXIN2):c.1925dup (p.Ala643fs)

Gene: AXIN2 (axin 2; minus strand). Cytogenetic location: 17q24.1.
Variant type: Duplication.
Coding change: c.1925dup on transcript NM_004655.4 (MANE Select); coding-DNA position 1925, one base duplicated (A; older notation c.1925dupA).
Protein change: p.Ala643fs; shifts the reading frame from alanine 643.
Molecular consequence: frameshift variant.
Genome position (GRCh38, 1-based): chr17:65,536,536, T duplicated on the plus strand (A on the coding strand, the reverse complement: AXIN2 is on the minus strand); the first of 6 consecutive T bases (chr17:65,536,536-65,536,541); duplicating any one gives the same sequence. VCF-style (leftmost placement, unchanged base first): chr17-65536535-C-CT. GRCh37 (hg19) VCF-style: chr17-63532653-C-CT.
Other names: c.1925dupA (NM_004655.3); c.1730dup, p.Ala578fs (NM_001363813.1); short protein forms A578fs, A643fs.
Identifiers: ClinVar variation 4056283 (VCV004056283.2).

ClinVar aggregate classification (germline): Pathogenic. Review status: criteria provided, multiple submitters, no conflicts (2 of 4 stars). 2 submissions from 2 submitters: Pathogenic (2). Last evaluated 2025-12-23.

Conditions:
Oligodontia-cancer predisposition syndrome. Also called: TOOTH AGENESIS-COLORECTAL CANCER SYNDROME. Identifiers: Orphanet 300576, MedGen C1837750, MONDO:0012075, OMIM 608615. Disease mechanism: loss of function.

Submissions (2):

Myriad Genetics, Inc.
Classification: Pathogenic for Oligodontia-cancer predisposition syndrome. Last evaluated: 2025-12-23. Review status: criteria provided, single submitter. Criteria: Myriad Autosomal Dominant, Autosomal Recessive and X-Linked Classification Criteria (2023). Collection method: clinical testing. Allele origin: unknown.
Comment: This variant is considered pathogenic. This variant creates a frameshift predicted to result in premature protein truncation.

Molecular Pathology, Peter Maccallum Cancer Centre
Classification: Pathogenic for Oligodontia-cancer predisposition syndrome. Last evaluated: 2024-03-04. Review status: criteria provided, single submitter. Criteria: ACMG Guidelines, 2015. Collection method: clinical testing. Allele origin: germline. Inheritance: Autosomal dominant inheritance.